The following is an entry in ClinVar:

ClinVar aggregate classification (germline): Uncertain significance (1 of 4 stars; one submission).

Conditions:
Epilepsy, familial adult myoclonic, 5 (EPEO5). Also called: CORTICAL MYOCLONIC TREMOR WITH EPILEPSY, FAMILIAL, 5. Identifiers: Orphanet 86814, MedGen C3809374, MONDO:0014167, OMIM 615400.

Allele frequency attached by ClinVar (database versions not stated): ExAC 0.00002; gnomAD exomes 0.00002 and 0.00004; gnomAD 0.00003 and 0.00004; TOPMed 0.00004.
gnomAD v4.1: 37 of 1,613,306 alleles (0.0023%); highest among the groups gnomAD compares: Non-Finnish European, 0.0031%; no homozygotes.

Submission:

Labcorp Genetics (formerly Invitae), Labcorp
Classification: Uncertain significance for Epilepsy, familial adult myoclonic, 5. Last evaluated: 2022-07-12. Review status: criteria provided, single submitter. Criteria: Invitae Variant Classification Sherloc (09022015). Collection method: clinical testing. Allele origin: germline.
Comment: This sequence change replaces glutamic acid, which is acidic and polar, with valine, which is neutral and non-polar, at codon 409 of the CNTN2 protein (p.Glu409Val). This variant is present in population databases (rs749341276, gnomAD 0.008%). This variant has not been reported in the literature in individuals affected with CNTN2-related conditions. ClinVar contains an entry for this variant (Variation ID: 1356423). Advanced modeling of protein sequence and biophysical properties (such as structural, functional, and spatial information, amino acid conservation, physicochemical variation, residue mobility, and thermodynamic stability) performed at Invitae indicates that this missense variant is not expected to disrupt CNTN2 protein function. In summary, the available evidence is currently insufficient to determine the role of this variant in disease. Therefore, it has been classified as a Variant of Uncertain Significance.

NM_005076.5(CNTN2):c.1226A>T (p.Glu409Val)

Gene: CNTN2 (contactin 2; plus strand). Cytogenetic location: 1q32.1.
Variant type: single nucleotide variant.
Coding change: c.1226A>T on transcript NM_005076.5 (MANE Select); coding-DNA position 1226, A replaced by T.
Protein change: p.Glu409Val; replaces glutamic acid 409 with valine.
Molecular consequence: missense variant. On other transcripts: non-coding transcript variant (1).
Genome position (GRCh38, 1-based): chr1:205,062,555, A>T. VCF-style: chr1-205062555-A-T. GRCh37 (hg19) VCF-style: chr1-205031683-A-T.
Other names: c.1226A>T, p.Glu409Val (NM_001346083.2); short protein forms E409V.
Identifiers: ClinVar variation 1356423 (VCV001356423.3), dbSNP rs749341276, ClinGen allele CA1351306.